The following is an entry in ClinVar:

NM_004281.3(BAG3):c.772C>T (p.Arg258Trp)

Gene: BAG3 (BAG cochaperone 3; plus strand). Cytogenetic location: 10q26.11.
Variant type: single nucleotide variant.
Coding change: c.772C>T on transcript NM_004281.3; coding-DNA position 772, C replaced by T.
Protein change: p.Arg258Trp; replaces arginine 258 with tryptophan.
Molecular consequence: missense variant (on NM_004281.4).
Genome position (GRCh38, 1-based): chr10:119,672,519, C>T. VCF-style: chr10-119672519-C-T. GRCh37 (hg19) VCF-style: chr10-121432031-C-T.
Other names: p.R258W:CGG>TGG; c.772C>T, p.Arg258Trp (NM_004281.4); short protein forms R258W.
Identifiers: ClinVar variation 39466 (VCV000039466.37), dbSNP rs117671123, ClinGen allele CA135025.

ClinVar aggregate classification (germline): Benign/Likely benign. Review status: criteria provided, multiple submitters, no conflicts (2 of 4 stars). 17 submissions from 16 submitters: Benign (12); Likely benign (2). 3 of the submissions do not count toward it. Last evaluated 2026-06-01.

Conditions:
Cardiovascular phenotype. Identifiers: MedGen CN230736.
Myofibrillar myopathy. Identifiers: Orphanet 593, MedGen C2678065, MONDO:0018943, HP:0003715.
Myofibrillar myopathy 6. Identifiers: Orphanet 199340, MedGen C2751831, MONDO:0013061, OMIM 612954.
Dilated cardiomyopathy 1HH (CMD1HH). Identifiers: Orphanet 154, MedGen C3151293, MONDO:0013479, OMIM 613881.
Cardiomyopathy (CMYO). Also called: Cardiomyopathies. Identifiers: Orphanet 167848, MedGen C0878544, MONDO:0004994, HP:0001638. Inheritance: Various modes of inheritance.

Allele frequency attached by ClinVar (database versions not stated): gnomAD 0.00036 and 0.00062; gnomAD exomes 0.00121 and 0.00044; ExAC 0.00117; 1000 Genomes Project 30x 0.00390; 1000 Genomes Project 0.00419; TOPMed 0.00069.
gnomAD v4.1: 736 of 1,614,016 alleles (0.046%); highest among the groups gnomAD compares: East Asian, 1.5%; 2 homozygotes.

Submissions (17):

CeGaT Center for Human Genetics Tuebingen
Classification: Likely benign. Last evaluated: 2026-06-01. Review status: criteria provided, single submitter. Criteria: CeGaT Center For Human Genetics Tuebingen Variant Classification Criteria Version 2. Collection method: clinical testing. Allele origin: germline. Affected: yes. Observed: 1 variant allele.
Comment: BAG3: BP4, BS1

Labcorp Genetics (formerly Invitae), Labcorp
Classification: Benign for Dilated cardiomyopathy 1HH; Myofibrillar myopathy 6. Last evaluated: 2026-02-01. Review status: criteria provided, single submitter. Criteria: Invitae Variant Classification Sherloc (09022015). Collection method: clinical testing. Allele origin: germline.

CHEO Genetics Diagnostic Laboratory, Children's Hospital of Eastern Ontario
Classification: Benign for Cardiomyopathy. Last evaluated: 2022-11-11. Review status: criteria provided, single submitter. Criteria: ACMG Guidelines, 2015. Collection method: clinical testing. Allele origin: germline.

Fulgent Genetics
Classification: Benign for Myofibrillar myopathy 6; Dilated cardiomyopathy 1HH. Last evaluated: 2021-08-18. Review status: criteria provided, single submitter. Criteria: ACMG Guidelines, 2015. Collection method: clinical testing. Allele origin: unknown.

Mendelics
Classification: Benign for Myofibrillar myopathy 6. Last evaluated: 2019-05-28. Review status: criteria provided, single submitter. Criteria: Mendelics Assertion Criteria 2017. Collection method: clinical testing. Allele origin: unknown.

Illumina Laboratory Services, Illumina
Classification: Benign for Myofibrillar myopathy 6. Last evaluated: 2018-03-06. Review status: criteria provided, single submitter. Criteria: ICSL Variant Classification Criteria 13 December 2019. Collection method: clinical testing. Allele origin: germline.
Comment: This variant was observed in the ICSL laboratory as part of a predisposition screen in an ostensibly healthy population. It had not been previously curated by ICSL or reported in the Human Gene Mutation Database (HGMD: prior to June 1st, 2018), and was therefore a candidate for classification through an automated scoring system. Utilizing variant allele frequency, disease prevalence and penetrance estimates, and inheritance mode, an automated score was calculated to assess if this variant is too frequent to cause the disease. Based on the score and internal cut-off values, a variant classified as benign is not then subjected to further curation. The score for this variant resulted in a classification of benign for this disease.

Illumina Laboratory Services, Illumina
Classification: Likely benign for Dilated cardiomyopathy 1HH. Last evaluated: 2018-03-06. Review status: criteria provided, single submitter. Criteria: ICSL Variant Classification Criteria 13 December 2019. Collection method: clinical testing. Allele origin: germline.
Comment: This variant was observed in the ICSL laboratory as part of a predisposition screen in an ostensibly healthy population. It had not been previously curated by ICSL or reported in the Human Gene Mutation Database (HGMD: prior to June 1st, 2018), and was therefore a candidate for classification through an automated scoring system. Utilizing variant allele frequency, disease prevalence and penetrance estimates, and inheritance mode, an automated score was calculated to assess if this variant is too frequent to cause the disease. Based on the score and internal cut-off values, a variant classified as likely benign is not then subjected to further curation. The score for this variant resulted in a classification of likely benign for this disease.

ARUP Laboratories, Molecular Genetics and Genomics, ARUP Laboratories
Classification: Benign. Last evaluated: 2018-02-22. Review status: criteria provided, single submitter. Criteria: ARUP Molecular Germline Variant Investigation Process. Collection method: clinical testing. Allele origin: germline.

Ambry Genetics
Classification: Benign for Cardiovascular phenotype. Last evaluated: 2017-12-07. Review status: criteria provided, single submitter. Criteria: Ambry Variant Classification Scheme 2023. Collection method: clinical testing. Allele origin: germline.

Women's Health and Genetics/Laboratory Corporation of America, LabCorp
Classification: Benign. Last evaluated: 2017-08-02. Review status: criteria provided, single submitter. Criteria: LabCorp Variant Classification Summary - May 2015. Collection method: clinical testing. Allele origin: germline.
Comment: Variant summary: The BAG3 c.772C>T (p.Arg258Trp) variant involves the alteration of a non-conserved nucleotide. 4/4 in silico tools predict a damaging outcome for this variant (SNPsandGO not captured due to low reliability index). This variant was found in 141/120824 control chromosomes (1 homozygote) from ExAC, predominantly observed in the East Asian subpopulation at a frequency of 0.015647 (135/8628). This frequency is about 401 times the estimated maximal expected allele frequency of a pathogenic BAG3 variant (0.0000391), suggesting this is likely a benign polymorphism found primarily in the populations of East Asian origin. This variant has been found in one patient with patient with restrictive lung disease, a rapidly progressive proximal myopathy, rigid spine, bilateral Achilles tendon tightening, hypertrophic cardiomyopathy with restrictive physiology and a prolonged QT interval (Lee_2012). The patient also carried a de novo variant c.626C>T (p.Pro209Leu) which is regarded to explain the cardiac disease in the patient. In addition, father who was incidentally found to have prolonged QT interval also carried the variant of interest p.Arg258Trp. Thus the variant of interest may be a functional polymorphism. Multiple clinical diagnostic laboratories in ClinVar classified this variant as benign/likely benign. Taken together, this variant is classified as benign.

GeneDx
Classification: Benign. Last evaluated: 2017-02-02. Review status: criteria provided, single submitter. Criteria: GeneDx Variant Classification (06012015). Collection method: clinical testing. Allele origin: germline. Affected: yes.
Comment: This variant is considered likely benign or benign based on one or more of the following criteria: it is a conservative change, it occurs at a poorly conserved position in the protein, it is predicted to be benign by multiple in silico algorithms, and/or has population frequency not consistent with disease.

Soonchunhyang University Bucheon Hospital, Soonchunhyang University Medical Center
Classification: Benign for Myofibrillar myopathy 6. Last evaluated: 2016-03-18. Review status: criteria provided, single submitter. Criteria: ACMG Guidelines, 2015. Collection method: reference population. Allele origin: germline. Observed: 3 variant alleles.

Laboratory for Molecular Medicine, Mass General Brigham Personalized Medicine
Classification: Benign. Last evaluated: 2015-03-18. Review status: criteria provided, single submitter. Criteria: LMM Criteria. Collection method: clinical testing. Allele origin: germline. Observed: 7 variant alleles.
Comment: p.Arg258Trp in exon 3 of BAG3: This variant is not expected to have clinical sig nificance because it has been identified in 1.6% (135/8628) of East Asian chromo somes by the Exome Aggregation Consortium (ExAC; dbSNP rs117671123).

Biesecker Lab/Clinical Genomics Section, National Institutes of Health
Classification: Benign. Last evaluated: 2013-06-24. Review status: criteria provided, single submitter. Criteria: Ng et al. (Circ Cardiovasc Genet. 2013). Collection method: research. Allele origin: unknown. Observed: 1 variant allele. Study: ClinSeq.
Comment: The study set was not selected for affection status in relation to any cancer. Pathogenicity categories were based on literature curation. See Pubmed ID:23861362 for details.

Medical sequencing

OMIM
Classification: Uncertain significance for VARIANT OF UNKNOWN SIGNIFICANCE. Last evaluated: 2012-04-01. Review status: no assertion criteria provided. Collection method: literature only. Allele origin: germline. Not counted in ClinVar's aggregate classification.

Clinical Genetics, Academic Medical Center
Classification: Benign. Review status: no assertion criteria provided. Collection method: clinical testing. Allele origin: germline. Affected: yes. Study: VKGL Data-share Consensus. Not counted in ClinVar's aggregate classification.

Joint Genome Diagnostic Labs from Nijmegen and Maastricht, Radboudumc and MUMC+
Classification: Likely benign. Review status: no assertion criteria provided. Collection method: clinical testing. Allele origin: germline. Affected: yes. Study: VKGL Data-share Consensus. Not counted in ClinVar's aggregate classification.

Literature cited by the submitters: PubMed 21361913 (cited by 3 submitters).